The following is an entry in ClinVar:

ClinVar aggregate classification (germline): Uncertain significance (1 of 4 stars; one submission).

Conditions:
Amyotrophic lateral sclerosis type 1 (ALS1). Also called: AMYOTROPHIC LATERAL SCLEROSIS 1, FAMILIAL. Identifiers: Orphanet 803, MedGen C1862939, MONDO:0007103, OMIM 105400.
Neuronopathy, distal hereditary motor, type 7B. Also called: Distal Hereditary Motor Neuronopathy Type 7B (dHMN7B); HMN VIIB; LOWER MOTOR NEURON DISEASE, DYNACTIN TYPE; NEURONOPATHY, DISTAL HEREDITARY MOTOR, AUTOSOMAL DOMINANT 14; NEURONOPATHY, DISTAL HEREDITARY MOTOR, HARDING TYPE VIIB; NEUROPATHY, DISTAL HEREDITARY MOTOR, HARDING TYPE VIIB. Identifiers: Orphanet 139589, MedGen C1843315, MONDO:0011879, OMIM 607641.
Perry syndrome. Also called: PARKINSONISM WITH ALVEOLAR HYPOVENTILATION AND MENTAL DEPRESSION. Identifiers: Orphanet 178509, MedGen C1868594, MONDO:0008201, OMIM 168605.

gnomAD v4.1: 4 of 1,614,232 alleles (0.00025%); highest among the groups gnomAD compares: Non-Finnish European, 0.00034%; no homozygotes.

Submission:

Labcorp Genetics (formerly Invitae), Labcorp
Classification: Uncertain significance for Amyotrophic lateral sclerosis type 1; Neuronopathy, distal hereditary motor, type 7B; Perry syndrome. Last evaluated: 2022-06-19. Review status: criteria provided, single submitter. Criteria: Invitae Variant Classification Sherloc (09022015). Collection method: clinical testing. Allele origin: germline.
Comment: In summary, the available evidence is currently insufficient to determine the role of this variant in disease. Therefore, it has been classified as a Variant of Uncertain Significance. Algorithms developed to predict the effect of missense changes on protein structure and function are either unavailable or do not agree on the potential impact of this missense change (SIFT: "Deleterious"; PolyPhen-2: "Probably Damaging"; Align-GVGD: "Class C15"). This variant has not been reported in the literature in individuals affected with DCTN1-related conditions. This variant is not present in population databases (gnomAD no frequency). This sequence change replaces aspartic acid, which is acidic and polar, with asparagine, which is neutral and polar, at codon 793 of the DCTN1 protein (p.Asp793Asn).

NM_004082.5(DCTN1):c.2377G>A (p.Asp793Asn)

Gene: DCTN1 (dynactin subunit 1; minus strand). Cytogenetic location: 2p13.1.
Variant type: single nucleotide variant.
Coding change: c.2377G>A on transcript NM_004082.5 (MANE Select); coding-DNA position 2377, G replaced by A.
Protein change: p.Asp793Asn; replaces aspartic acid 793 with asparagine.
Molecular consequence: missense variant. On other transcripts: non-coding transcript variant (1).
Genome position (GRCh38, 1-based): chr2:74,366,872, C>T on the plus strand (G>A on the coding strand, the complement: DCTN1 is on the minus strand). VCF-style: chr2-74366872-C-T. GRCh37 (hg19) VCF-style: chr2-74593999-C-T.
Other names: c.2317G>A, p.Asp773Asn (NM_001135040.3); c.1975G>A, p.Asp659Asn (NM_001135041.3, NM_023019.4); c.2266G>A, p.Asp756Asn (NM_001190836.2); c.2356G>A, p.Asp786Asn (NM_001190837.2); c.2326G>A, p.Asp776Asn (NM_001378991.1); c.2308G>A, p.Asp770Asn (NM_001378992.1); short protein forms D659N, D773N, D776N, D786N, D793N, D756N, D770N.
Identifiers: ClinVar variation 2147376 (VCV002147376.4), dbSNP rs1488334244, ClinGen allele CA347347609.